The following is an entry in ClinVar:

NM_024652.6(LRRK1):c.1172A>T (p.Lys391Ile)

Gene: LRRK1 (leucine rich repeat kinase 1; plus strand). Cytogenetic location: 15q26.3.
Variant type: single nucleotide variant.
Coding change: c.1172A>T on transcript NM_024652.6 (MANE Select); coding-DNA position 1172, A replaced by T.
Protein change: p.Lys391Ile; replaces lysine 391 with isoleucine.
Molecular consequence: missense variant.
Genome position (GRCh38, 1-based): chr15:101,010,728, A>T. VCF-style: chr15-101010728-A-T. GRCh37 (hg19) VCF-style: chr15-101550933-A-T.
Other names: c.1172A>T (NM_024652.3); short protein forms K391I.
Identifiers: ClinVar variation 1437263 (VCV001437263.4), dbSNP rs371086173, ClinGen allele CA7760815.

ClinVar aggregate classification (germline): Uncertain significance. Review status: criteria provided, multiple submitters, no conflicts (2 of 4 stars). 2 submissions from 2 submitters: Uncertain significance (2). Last evaluated 2025-04-12.

Conditions:
Inborn genetic diseases. Identifiers: MedGen C0950123, MeSH D030342.

Allele frequency attached by ClinVar (database versions not stated): ESP Exome Variant Server 0.00008; gnomAD exomes below 0.00001 and 0.00001; ExAC 0.00002; gnomAD 0.00005.

Submissions (2):

Ambry Genetics
Classification: Uncertain significance for Inborn genetic diseases. Last evaluated: 2025-04-12. Review status: criteria provided, single submitter. Criteria: Ambry Variant Classification Scheme 2023. Collection method: clinical testing. Allele origin: germline.

Labcorp Genetics (formerly Invitae), Labcorp
Classification: Uncertain significance. Last evaluated: 2022-10-31. Review status: criteria provided, single submitter. Criteria: Invitae Variant Classification Sherloc (09022015). Collection method: clinical testing. Allele origin: germline.
Comment: This sequence change replaces lysine, which is basic and polar, with isoleucine, which is neutral and non-polar, at codon 391 of the LRRK1 protein (p.Lys391Ile). This variant is present in population databases (rs371086173, gnomAD 0.004%). This variant has not been reported in the literature in individuals affected with LRRK1-related conditions. ClinVar contains an entry for this variant (Variation ID: 1437263). Algorithms developed to predict the effect of missense changes on protein structure and function are either unavailable or do not agree on the potential impact of this missense change (SIFT: "Tolerated"; PolyPhen-2: "Possibly Damaging"; Align-GVGD: "Class C0"). In summary, the available evidence is currently insufficient to determine the role of this variant in disease. Therefore, it has been classified as a Variant of Uncertain Significance.